The following is an entry in ClinVar:

NM_130837.3(OPA1):c.985G>A (p.Val329Ile)

Gene: OPA1 (OPA1 mitochondrial dynamin like GTPase; plus strand). Cytogenetic location: 3q29.
Variant type: single nucleotide variant.
Coding change: c.985G>A on transcript NM_130837.3 (MANE Select); coding-DNA position 985, G replaced by A.
Protein change: p.Val329Ile; replaces valine 329 with isoleucine.
Molecular consequence: missense variant.
Genome position (GRCh38, 1-based): chr3:193,637,231, G>A. VCF-style: chr3-193637231-G-A. GRCh37 (hg19) VCF-style: chr3-193355020-G-A.
Other names: c.451G>A, p.Val151Ile (NM_001354663.2); c.448G>A, p.Val150Ile (NM_001354664.2); c.820G>A, p.Val274Ile (NM_015560.3); c.712G>A, p.Val238Ile (NM_130831.3); c.766G>A, p.Val256Ile (NM_130832.3); c.823G>A, p.Val275Ile (NM_130833.3); c.874G>A, p.Val292Ile (NM_130834.3); c.877G>A, p.Val293Ile (NM_130835.3); and 1 more; short protein forms V256I, V292I, V293I, V274I, V311I, V150I, V151I, V329I.
Identifiers: ClinVar variation 902456 (VCV000902456.9), dbSNP rs1347426414, ClinGen allele CA355787998.
Genomic context (GRCh38, chr3:193,637,231, plus strand): 5'-TATAACTTTTTAAAATTTTTACAGAAATCTTTGATTGACATGTATTCTGAAGTTCTTGAT[G>A]TTCTCTCTGATTATGATGCCAGTTATAATACGCAAGATCATCTGCCACGGGTATGTGAAA-3'
Protein context (NP_570850.2, residues 319-339): LIDMYSEVLD[Val329Ile]LSDYDASYNT

ClinVar aggregate classification (germline): Uncertain significance. Review status: criteria provided, multiple submitters, no conflicts (2 of 4 stars). 3 submissions from 3 submitters: Uncertain significance (3). Last evaluated 2024-09-25.

Conditions:
Autosomal dominant optic atrophy classic form (OPA1). Also called: OPTIC ATROPHY, JUVENILE; KJER-TYPE OPTIC ATROPHY; Optic Atrophy Type 1. Identifiers: Orphanet 98673, MedGen C0338508, MONDO:0008134, OMIM 165500.
Inborn genetic diseases. Identifiers: MedGen C0950123, MeSH D030342.

Allele frequency attached by ClinVar (database versions not stated): gnomAD exomes 0.00001.

Submissions (3):

Ambry Genetics
Classification: Uncertain significance for Inborn genetic diseases. Last evaluated: 2024-09-25. Review status: criteria provided, single submitter. Criteria: Ambry Variant Classification Scheme 2023. Collection method: clinical testing. Allele origin: germline.

Labcorp Genetics (formerly Invitae), Labcorp
Classification: Uncertain significance. Last evaluated: 2023-07-17. Review status: criteria provided, single submitter. Criteria: Invitae Variant Classification Sherloc (09022015). Collection method: clinical testing. Allele origin: germline.
Comment: This variant has not been reported in the literature in individuals affected with OPA1-related conditions. The frequency data for this variant in the population databases is considered unreliable, as metrics indicate poor data quality at this position in the gnomAD database. This sequence change replaces valine, which is neutral and non-polar, with isoleucine, which is neutral and non-polar, at codon 274 of the OPA1 protein (p.Val274Ile). In summary, the available evidence is currently insufficient to determine the role of this variant in disease. Therefore, it has been classified as a Variant of Uncertain Significance. Advanced modeling of protein sequence and biophysical properties (such as structural, functional, and spatial information, amino acid conservation, physicochemical variation, residue mobility, and thermodynamic stability) performed at Invitae indicates that this missense variant is not expected to disrupt OPA1 protein function. ClinVar contains an entry for this variant (Variation ID: 902456).

Illumina Laboratory Services, Illumina
Classification: Uncertain significance for Autosomal dominant optic atrophy classic form. Last evaluated: 2018-01-12. Review status: criteria provided, single submitter. Criteria: ICSL Variant Classification Criteria 13 December 2019. Collection method: clinical testing. Allele origin: germline.